The following is an entry in ClinVar:

ClinVar aggregate classification (germline): Benign. Review status: criteria provided, multiple submitters, no conflicts (2 of 4 stars). 2 submissions from 2 submitters: Benign (2). Last evaluated 2024-11-27.

Allele frequency attached by ClinVar (database versions not stated): 1000 Genomes Project 0.64816; 1000 Genomes Project 30x 0.65116; ExAC 0.65283; gnomAD exomes 0.67365; gnomAD 0.71438 and 0.72504; TOPMed 0.71452; ESP Exome Variant Server 0.74627.

Submissions (2):

Blueprint Genetics
Classification: Benign. Last evaluated: 2024-11-27. Review status: criteria provided, single submitter. Criteria: ACMG Guidelines, 2015. Collection method: clinical testing. Allele origin: germline.

GeneDx
Classification: Benign. Last evaluated: 2020-10-15. Review status: criteria provided, single submitter. Criteria: GeneDx Variant Classification Process June 2021. Collection method: clinical testing. Allele origin: germline. Affected: yes.
Comment: This variant is associated with the following publications: (PMID: 26377243)

NM_005577.4(LPA):c.5036T>C (p.Met1679Thr)

Gene: LPA (lipoprotein(a); minus strand). Cytogenetic location: 6q25.3.
Variant type: single nucleotide variant.
Coding change: c.5036T>C on transcript NM_005577.4 (MANE Select); coding-DNA position 5036, T replaced by C.
Protein change: p.Met1679Thr; replaces methionine 1679 with threonine.
Molecular consequence: missense variant.
Genome position (GRCh38, 1-based): chr6:160,548,597, A>G on the plus strand (T>C on the coding strand, the complement: LPA is on the minus strand). VCF-style: chr6-160548597-A-G. GRCh37 (hg19) VCF-style: chr6-160969629-A-G.
Other names: short protein forms M1679T.
Identifiers: ClinVar variation 1241754 (VCV001241754.3), dbSNP rs1801693, ClinGen allele CA4085864.